The following is an entry in ClinVar:

ClinVar aggregate classification (germline): Conflicting classifications of pathogenicity. Review status: criteria provided, conflicting classifications (1 of 4 stars). 3 submissions from 3 submitters: Uncertain significance (1); Likely benign (2). Last evaluated 2023-11-13.

Conditions:
Inborn genetic diseases. Identifiers: MedGen C0950123, MeSH D030342.

Allele frequency attached by ClinVar (database versions not stated): ExAC 0.00002; gnomAD 0.00002 and 0.00003; gnomAD exomes 0.00002 and 0.00003; TOPMed 0.00003; ESP Exome Variant Server 0.00015; 1000 Genomes Project 30x 0.00016; 1000 Genomes Project 0.00020.
gnomAD v4.1: 46 of 1,613,138 alleles (0.0029%); highest among the groups gnomAD compares: Non-Finnish European, 0.0033%; no homozygotes.

Submissions (3):

Blueprint Genetics
Classification: Likely benign. Last evaluated: 2023-11-13. Review status: criteria provided, single submitter. Criteria: ACMG Guidelines, 2015. Collection method: clinical testing. Allele origin: germline.

Labcorp Genetics (formerly Invitae), Labcorp
Classification: Uncertain significance. Last evaluated: 2023-09-24. Review status: criteria provided, single submitter. Criteria: Invitae Variant Classification Sherloc (09022015). Collection method: clinical testing. Allele origin: germline.
Comment: In summary, the available evidence is currently insufficient to determine the role of this variant in disease. Therefore, it has been classified as a Variant of Uncertain Significance. Advanced modeling of protein sequence and biophysical properties (such as structural, functional, and spatial information, amino acid conservation, physicochemical variation, residue mobility, and thermodynamic stability) performed at Invitae indicates that this missense variant is not expected to disrupt TCF3 protein function. ClinVar contains an entry for this variant (Variation ID: 1380203). This variant has not been reported in the literature in individuals affected with TCF3-related conditions. This variant is present in population databases (rs149962284, gnomAD 0.004%). This sequence change replaces alanine, which is neutral and non-polar, with threonine, which is neutral and polar, at codon 651 of the TCF3 protein (p.Ala651Thr).

Ambry Genetics
Classification: Likely benign for Inborn genetic diseases. Last evaluated: 2022-08-02. Review status: criteria provided, single submitter. Criteria: Ambry Variant Classification Scheme 2023. Collection method: clinical testing. Allele origin: germline.

NM_003200.5(TCF3):c.1951G>A (p.Ala651Thr)

Gene: TCF3 (transcription factor 3; minus strand). Cytogenetic location: 19p13.3.
Variant type: single nucleotide variant.
Coding change: c.1951G>A on transcript NM_003200.5 (MANE Select); coding-DNA position 1951, G replaced by A.
Protein change: p.Ala651Thr; replaces alanine 651 with threonine.
Molecular consequence: missense variant.
Genome position (GRCh38, 1-based): chr19:1,611,721, C>T on the plus strand (G>A on the coding strand, the complement: TCF3 is on the minus strand). VCF-style: chr19-1611721-C-T. GRCh37 (hg19) VCF-style: chr19-1611720-C-T.
Other names: c.1951G>A (NM_003200.3); c.1942G>A, p.Ala648Thr (NM_001136139.4, NM_001351779.2); c.1948G>A, p.Ala650Thr (NM_001351778.2); short protein forms A650T, A648T, A651T.
Identifiers: ClinVar variation 1380203 (VCV001380203.8), dbSNP rs149962284, ClinGen allele CA9049495.